The following is an entry in ClinVar:

NM_006206.6(PDGFRA):c.1445G>A (p.Ser482Asn)

Gene: PDGFRA (platelet derived growth factor receptor alpha; plus strand). Cytogenetic location: 4q12.
Variant type: single nucleotide variant.
Coding change: c.1445G>A on transcript NM_006206.6 (MANE Select); coding-DNA position 1445, G replaced by A.
Protein change: p.Ser482Asn; replaces serine 482 with asparagine.
Molecular consequence: missense variant.
Genome position (GRCh38, 1-based): chr4:54,273,617, G>A. VCF-style: chr4-54273617-G-A. GRCh37 (hg19) VCF-style: chr4-55139784-G-A.
Other names: c.1445G>A, p.Ser482Asn (NM_001347827.2, NM_001347829.2); c.1520G>A, p.Ser507Asn (NM_001347828.2); c.1484G>A, p.Ser495Asn (NM_001347830.2); short protein forms S507N, S482N, S495N.
Identifiers: ClinVar variation 944349 (VCV000944349.12), dbSNP rs1723533445, ClinGen allele CA356892581.

ClinVar aggregate classification (germline): Uncertain significance. Review status: criteria provided, multiple submitters, no conflicts (2 of 4 stars). 2 submissions from 2 submitters: Uncertain significance (2). Last evaluated 2024-11-06.

Conditions:
Hereditary cancer-predisposing syndrome. Also called: Hereditary neoplastic syndrome; Neoplastic Syndromes, Hereditary; Hereditary Cancer Syndrome; Tumor predisposition. Identifiers: Orphanet 140162, MedGen C0027672, MeSH D009386, MONDO:0015356.
Gastrointestinal stromal tumor. Also called: Gastrointestinal stromal tumor, somatic; Gastrointestinal stroma tumor. Identifiers: Orphanet 44890, MedGen C0238198, MeSH D046152, MONDO:0011719, OMIM 606764, HP:0100723.

Allele frequency attached by ClinVar (database versions not stated): TOPMed below 0.00001.

Submissions (2):

Labcorp Genetics (formerly Invitae), Labcorp
Classification: Uncertain significance for Gastrointestinal stromal tumor. Last evaluated: 2024-11-06. Review status: criteria provided, single submitter. Criteria: Invitae Variant Classification Sherloc (09022015). Collection method: clinical testing. Allele origin: germline.
Comment: This sequence change replaces serine, which is neutral and polar, with asparagine, which is neutral and polar, at codon 482 of the PDGFRA protein (p.Ser482Asn). This variant is not present in population databases (gnomAD no frequency). This variant has not been reported in the literature in individuals affected with PDGFRA-related conditions. ClinVar contains an entry for this variant (Variation ID: 944349). Invitae Evidence Modeling of protein sequence and biophysical properties (such as structural, functional, and spatial information, amino acid conservation, physicochemical variation, residue mobility, and thermodynamic stability) indicates that this missense variant is not expected to disrupt PDGFRA protein function with a negative predictive value of 80%. In summary, the available evidence is currently insufficient to determine the role of this variant in disease. Therefore, it has been classified as a Variant of Uncertain Significance.

Ambry Genetics
Classification: Uncertain significance for Hereditary cancer-predisposing syndrome. Last evaluated: 2024-02-28. Review status: criteria provided, single submitter. Criteria: Ambry Variant Classification Scheme 2023. Collection method: clinical testing. Allele origin: germline.
Comment: The p.S482N variant (also known as c.1445G>A), located in coding exon 9 of the PDGFRA gene, results from a G to A substitution at nucleotide position 1445. The serine at codon 482 is replaced by asparagine, an amino acid with highly similar properties. This amino acid position is conserved. In addition, this alteration is predicted to be tolerated by in silico analysis. Since supporting evidence is limited at this time, the clinical significance of this alteration remains unclear.